The following is an entry in ClinVar:

ClinVar aggregate classification (germline): Uncertain significance. Review status: criteria provided, multiple submitters, no conflicts (2 of 4 stars). 2 submissions from 2 submitters: Uncertain significance (2). Last evaluated 2025-07-08.

Allele frequency attached by ClinVar (database versions not stated): ExAC 0.00001; TOPMed 0.00002; gnomAD 0.00003 and 0.00004; gnomAD exomes 0.00002.
gnomAD v4.1: 14 of 1,612,728 alleles (0.00087%); highest among the groups gnomAD compares: African/African-American, 0.0027%; no homozygotes.

Submissions (2):

GeneDx
Classification: Uncertain significance. Last evaluated: 2025-07-08. Review status: criteria provided, single submitter. Criteria: GeneDx Variant Classification Process June 2021. Collection method: clinical testing. Allele origin: germline. Affected: yes.
Comment: In silico analysis suggests that this missense variant does not alter protein structure/function; Has not been previously published as pathogenic or benign to our knowledge

Laboratory for Molecular Medicine, Mass General Brigham Personalized Medicine
Classification: Uncertain significance. Last evaluated: 2015-05-12. Review status: criteria provided, single submitter. Criteria: LMM Criteria. Collection method: clinical testing. Allele origin: germline. Observed: 1 variant allele.
Comment: The p.Asp130Asn variant in OTOF has not been previously reported in any individu al with hearing loss, but has been identified in 1/10307 African chromosomes by the Exome Aggregation Consortium (ExAC). Althoug h this variant has been seen in the general population, its frequency is not hig h enough to rule out a pathogenic role. Computational prediction tools and conse rvation analyses do not provide strong support for or against an impact to the p rotein. In summary, the clinical significance of the Asp130Asn variant is uncert ain.

NM_194248.3(OTOF):c.388G>A (p.Asp130Asn)

Gene: OTOF (otoferlin; minus strand). Cytogenetic location: 2p23.3.
Variant type: single nucleotide variant.
Coding change: c.388G>A on transcript NM_194248.3 (MANE Select); coding-DNA position 388, G replaced by A.
Protein change: p.Asp130Asn; replaces aspartic acid 130 with asparagine.
Molecular consequence: missense variant.
Genome position (GRCh38, 1-based): chr2:26,516,539, C>T on the plus strand (G>A on the coding strand, the complement: OTOF is on the minus strand). VCF-style: chr2-26516539-C-T. GRCh37 (hg19) VCF-style: chr2-26739407-C-T.
Other names: c.388G>A, p.Asp130Asn (NM_001287489.2); short protein forms D130N.
Identifiers: ClinVar variation 229076 (VCV000229076.6), dbSNP rs756143591, ClinGen allele CA1564679.